The following is an entry in ClinVar:

NM_020937.4(FANCM):c.3896A>T (p.Asn1299Ile)

Gene: FANCM (FA complementation group M; plus strand). Cytogenetic location: 14q21.2.
Variant type: single nucleotide variant.
Coding change: c.3896A>T on transcript NM_020937.4 (MANE Select); coding-DNA position 3896, A replaced by T.
Protein change: p.Asn1299Ile; replaces asparagine 1299 with isoleucine.
Molecular consequence: missense variant.
Genome position (GRCh38, 1-based): chr14:45,176,650, A>T. VCF-style: chr14-45176650-A-T. GRCh37 (hg19) VCF-style: chr14-45645853-A-T.
Other names: c.3818A>T, p.Asn1273Ile (NM_001308133.2); short protein forms N1273I, N1299I.
Identifiers: ClinVar variation 1441905 (VCV001441905.8), dbSNP rs761637559, ClinGen allele CA7169593.

ClinVar aggregate classification (germline): Uncertain significance (1 of 4 stars; one submission).

Conditions:
Fanconi anemia (FA). Also called: Fanconi's anemia. Identifiers: Orphanet 84, MedGen C0015625, MeSH D005199, MONDO:0019391.

gnomAD v4.1: 3 of 1,613,732 alleles (0.00019%); highest among the groups gnomAD compares: South Asian, 0.0022%; no homozygotes.

Submission:

Labcorp Genetics (formerly Invitae), Labcorp
Classification: Uncertain significance for Fanconi anemia. Last evaluated: 2022-05-16. Review status: criteria provided, single submitter. Criteria: Invitae Variant Classification Sherloc (09022015). Collection method: clinical testing. Allele origin: germline.
Comment: Algorithms developed to predict the effect of missense changes on protein structure and function are either unavailable or do not agree on the potential impact of this missense change (SIFT: "Deleterious"; PolyPhen-2: "Benign"; Align-GVGD: "Class C0"). This sequence change replaces asparagine, which is neutral and polar, with isoleucine, which is neutral and non-polar, at codon 1299 of the FANCM protein (p.Asn1299Ile). This variant is present in population databases (rs761637559, gnomAD 0.003%). This variant has not been reported in the literature in individuals affected with FANCM-related conditions. In summary, the available evidence is currently insufficient to determine the role of this variant in disease. Therefore, it has been classified as a Variant of Uncertain Significance.